The following is an entry in ClinVar:

NM_005797.4(MPZL2):c.595G>A (p.Glu199Lys)

Gene: MPZL2 (myelin protein zero like 2; minus strand). Cytogenetic location: 11q23.3.
Variant type: single nucleotide variant.
Coding change: c.595G>A on transcript NM_005797.4 (MANE Select); coding-DNA position 595, G replaced by A.
Protein change: p.Glu199Lys; replaces glutamic acid 199 with lysine.
Molecular consequence: missense variant.
Genome position (GRCh38, 1-based): chr11:118,257,303, C>T on the plus strand (G>A on the coding strand, the complement: MPZL2 is on the minus strand). VCF-style: chr11-118257303-C-T. GRCh37 (hg19) VCF-style: chr11-118128018-C-T.
Other names: c.595G>A, p.Glu199Lys (NM_144765.3); short protein forms E199K.
Identifiers: ClinVar variation 4985418 (VCV004985418.1).

ClinVar aggregate classification (germline): Likely benign (1 of 4 stars; one submission).

Conditions:
MPZL2-related disorder. Also called: MPZL2-related condition.

gnomAD v4.1: 345 of 1,611,360 alleles (0.021%); highest among the groups gnomAD compares: African/African-American, 0.42%; 1 homozygote.

Submission:

PreventionGenetics, part of Exact Sciences
Classification: Likely benign for MPZL2-related condition. Last evaluated: 2025-08-04. Review status: criteria provided, single submitter. Criteria: ACMG Guidelines, 2015. Collection method: clinical testing. Allele origin: germline.
Comment: This variant is classified as likely benign based on ACMG/AMP sequence variant interpretation guidelines (Richards et al. 2015 PMID: 25741868, with internal and published modifications).